The following is an entry in ClinVar:

ClinVar aggregate classification (germline): Pathogenic/Likely pathogenic. Review status: criteria provided, multiple submitters, no conflicts (2 of 4 stars). 5 submissions from 5 submitters: Pathogenic (2); Likely pathogenic (3). Last evaluated 2026-03-25.

Conditions:
GNA11-related disorders.
Autosomal dominant hypocalcemia 2. Identifiers: Orphanet 2238, Orphanet 428, MedGen C3809243, MONDO:0014146, OMIM 615361.
GNA11-related disorder. Also called: GNA11-related condition.

Submissions (5):

PreventionGenetics, part of Exact Sciences
Classification: Likely pathogenic for GNA11-related condition. Last evaluated: 2026-03-25. Review status: criteria provided, single submitter. Criteria: ACMG Guidelines, 2015. Collection method: clinical testing. Allele origin: germline.
Comment: The GNA11 c.1018G>A variant is predicted to result in the amino acid substitution p.Val340Met. This variant has been reported in the heterozygous state and was found to segregate with disease in two families with hypocalcemia (Piret et al. 2016. PubMed ID: 26818911; Tenhola et al. 2016. PubMed ID: 27334330). Functional studies of the p.Val340Met variant demonstrate enhanced CaSR-mediated signal transduction compared to the wild-type, consistent with a gain of function effect (Piret et al. 2016. PubMed ID: 26818911). This variant has not been reported in a large population database (gnomAD), indicating this variant is rare. This variant is interpreted as likely pathogenic.

Clinical Genetics Laboratory, University Hospital Schleswig-Holstein
Classification: Likely pathogenic for Autosomal dominant hypocalcemia 2. Last evaluated: 2025-11-25. Review status: criteria provided, single submitter. Criteria: ACMG Guidelines, 2015. Collection method: clinical testing. Allele origin: paternal. Affected: yes. Observed: 1 heterozygote.
Comment: ACMG criteria applied: PM2, PS4_Moderate, PP3, PP2, PS3_Moderate, PP1_Moderate, BS4_Supporting

Blueprint Genetics
Classification: Pathogenic for GNA11-related disorders. Last evaluated: 2024-04-09. Review status: criteria provided, single submitter. Criteria: ACMG Guidelines, 2015. Collection method: clinical testing. Allele origin: germline. Affected: yes. Observed: 5 variant alleles.

GeneDx
Classification: Pathogenic. Last evaluated: 2022-05-10. Review status: criteria provided, single submitter. Criteria: GeneDx Variant Classification Process June 2021. Collection method: clinical testing. Allele origin: germline. Affected: yes.
Comment: Published functional studies demonstrate V340M significantly reduces mean half-maximal extracellular calcium concentration compared to the wild-type consistent with a gain of function effect (Piret et al., 2016); In silico analysis supports that this missense variant has a deleterious effect on protein structure/function; Not observed at significant frequency in large population cohorts (gnomAD); This variant is associated with the following publications: (PMID: 26818911, 27334330, 27647839, 26887389, 31820785)

Labcorp Genetics (formerly Invitae), Labcorp
Classification: Likely pathogenic. Last evaluated: 2021-04-08. Review status: criteria provided, single submitter. Criteria: Invitae Variant Classification Sherloc (09022015). Collection method: clinical testing. Allele origin: germline.
Comment: In summary, the currently available evidence indicates that the variant is pathogenic, but additional data are needed to prove that conclusively. Therefore, this variant has been classified as Likely Pathogenic. Experimental studies have shown that this variant affects GNA11 protein function (PMID: 26818911). This variant has been observed in individual(s) with hypocalcemia (PMID: 27334330, 26818911). It has also been observed to segregate with disease in related individuals. This variant is not present in population databases (ExAC no frequency). This sequence change replaces valine with methionine at codon 340 of the GNA11 protein (p.Val340Met). The valine residue is highly conserved and there is a small physicochemical difference between valine and methionine.

Literature cited by the submitters: PubMed 26818911 (cited by Labcorp Genetics (formerly Invitae), Labcorp); PubMed 27334330 (cited by Labcorp Genetics (formerly Invitae), Labcorp).

NM_002067.5(GNA11):c.1018G>A (p.Val340Met)

Gene: GNA11 (G protein subunit alpha 11; plus strand). Cytogenetic location: 19p13.3.
Variant type: single nucleotide variant.
Coding change: c.1018G>A on transcript NM_002067.5 (MANE Select); coding-DNA position 1018, G replaced by A.
Protein change: p.Val340Met; replaces valine 340 with methionine.
Molecular consequence: missense variant.
Genome position (GRCh38, 1-based): chr19:3,121,117, G>A. VCF-style: chr19-3121117-G-A. GRCh37 (hg19) VCF-style: chr19-3121115-G-A.
Other names: c.1018G>A (NM_002067.4); short protein forms V340M.
Identifiers: ClinVar variation 1478093 (VCV001478093.11), dbSNP rs2145329230, ClinGen allele CA403312344.
Genomic context (GRCh38, chr19:3,121,117, plus strand): 5'-AGCGACAAGATCATCTACTCACACTTCACGTGTGCCACCGACACGGAGAACATCCGCTTC[G>A]TGTTCGCGGCCGTGAAGGACACCATCCTGCAGCTCAACCTCAAGGAGTACAACCTGGTCT-3'
Protein context (NP_002058.2, residues 330-350): CATDTENIRF[Val340Met]FAAVKDTILQ